The following is an entry in ClinVar:

NM_004525.3(LRP2):c.4408G>C (p.Ala1470Pro)

Gene: LRP2 (LDL receptor related protein 2; minus strand). Cytogenetic location: 2q31.1.
Variant type: single nucleotide variant.
Coding change: c.4408G>C on transcript NM_004525.3 (MANE Select); coding-DNA position 4408, G replaced by C.
Protein change: p.Ala1470Pro; replaces alanine 1470 with proline.
Molecular consequence: missense variant.
Genome position (GRCh38, 1-based): chr2:169,238,189, C>G on the plus strand (G>C on the coding strand, the complement: LRP2 is on the minus strand). VCF-style: chr2-169238189-C-G. GRCh37 (hg19) VCF-style: chr2-170094699-C-G.
Other names: short protein forms A1470P.
Identifiers: ClinVar variation 1942508 (VCV001942508.5), dbSNP rs1574166277, ClinGen allele CA349144628.
Genomic context (GRCh38, chr2:169,238,189, plus strand): 5'-TTTTACCCTGAGTTGCATCAGACCAAAAGATACGACCACTAATTGAATCAAAATCAACAG[C>G]TACAATGTAAGAACCATTCTCGACCAATGAATAGATATTGTGGACCTGGGAGGTGACACT-3'
Protein context (NP_004516.2, residues 1460-1480): SLVENGSYIV[Ala1470Pro]VDFDSISGRI

ClinVar aggregate classification (germline): Uncertain significance (1 of 4 stars; one submission).

Allele frequency attached by ClinVar (database versions not stated): TOPMed below 0.00001.

Submission:

Labcorp Genetics (formerly Invitae), Labcorp
Classification: Uncertain significance. Last evaluated: 2023-11-27. Review status: criteria provided, single submitter. Criteria: Invitae Variant Classification Sherloc (09022015). Collection method: clinical testing. Allele origin: germline.
Comment: This sequence change replaces alanine, which is neutral and non-polar, with proline, which is neutral and non-polar, at codon 1470 of the LRP2 protein (p.Ala1470Pro). This variant is not present in population databases (gnomAD no frequency). This variant has not been reported in the literature in individuals affected with LRP2-related conditions. ClinVar contains an entry for this variant (Variation ID: 1942508). Advanced modeling of protein sequence and biophysical properties (such as structural, functional, and spatial information, amino acid conservation, physicochemical variation, residue mobility, and thermodynamic stability) performed at Invitae indicates that this missense variant is expected to disrupt LRP2 protein function with a positive predictive value of 80%. In summary, the available evidence is currently insufficient to determine the role of this variant in disease. Therefore, it has been classified as a Variant of Uncertain Significance.